The following is an entry in ClinVar:

NM_001466.4(FZD2):c.1583C>T (p.Thr528Met)

Gene: FZD2 (frizzled class receptor 2; plus strand). Cytogenetic location: 17q21.31.
Variant type: single nucleotide variant.
Coding change: c.1583C>T on transcript NM_001466.4 (MANE Select); coding-DNA position 1583, C replaced by T.
Protein change: p.Thr528Met; replaces threonine 528 with methionine.
Molecular consequence: missense variant.
Genome position (GRCh38, 1-based): chr17:44,559,271, C>T. VCF-style: chr17-44559271-C-T. GRCh37 (hg19) VCF-style: chr17-42636639-C-T.
Other names: c.1583C>T (NM_001466.3); short protein forms T528M.
Identifiers: ClinVar variation 2414392 (VCV002414392.7), dbSNP rs1049775007, ClinGen allele CA290948610.

ClinVar aggregate classification (germline): Uncertain significance. Review status: criteria provided, multiple submitters, no conflicts (2 of 4 stars). 2 submissions from 2 submitters: Uncertain significance (2). Last evaluated 2025-01-21.

Allele frequency attached by ClinVar (database versions not stated): gnomAD exomes 0.00001; gnomAD 0.00005; TOPMed 0.00005.

Submissions (2):

Ambry Genetics
Classification: Uncertain significance. Last evaluated: 2025-01-21. Review status: criteria provided, single submitter. Criteria: Ambry Variant Classification Scheme 2023. Collection method: clinical testing. Allele origin: germline.

Labcorp Genetics (formerly Invitae), Labcorp
Classification: Uncertain significance. Last evaluated: 2024-11-18. Review status: criteria provided, single submitter. Criteria: Invitae Variant Classification Sherloc (09022015). Collection method: clinical testing. Allele origin: germline.
Comment: This sequence change replaces threonine, which is neutral and polar, with methionine, which is neutral and non-polar, at codon 528 of the FZD2 protein (p.Thr528Met). This variant is present in population databases (no rsID available, gnomAD 0.01%). This variant has not been reported in the literature in individuals affected with FZD2-related conditions. ClinVar contains an entry for this variant (Variation ID: 2414392). Invitae Evidence Modeling of protein sequence and biophysical properties (such as structural, functional, and spatial information, amino acid conservation, physicochemical variation, residue mobility, and thermodynamic stability) indicates that this missense variant is not expected to disrupt FZD2 protein function with a negative predictive value of 80%. In summary, the available evidence is currently insufficient to determine the role of this variant in disease. Therefore, it has been classified as a Variant of Uncertain Significance.